The following is an entry in ClinVar:

NM_001282933.2(ZNF341):c.2423C>T (p.Ala808Val)

Genes: ZNF341 (zinc finger protein 341; plus strand), ZNF341-AS1 (ZNF341 antisense RNA 1; minus strand). Cytogenetic location: 20q11.22.
Variant type: single nucleotide variant.
Coding change: c.2423C>T on transcript NM_001282933.2 (MANE Select); coding-DNA position 2423, C replaced by T.
Protein change: p.Ala808Val; replaces alanine 808 with valine.
Molecular consequence: missense variant. On other transcripts: non-coding transcript variant (1).
Genome position (GRCh38, 1-based): chr20:33,791,375, C>T. VCF-style: chr20-33791375-C-T. GRCh37 (hg19) VCF-style: chr20-32379181-C-T.
Other names: c.2153C>T, p.Ala718Val (NM_001282935.2); c.2402C>T, p.Ala801Val (NM_032819.5); c.2423C>T (NM_001282933.1); short protein forms A718V, A801V, A808V.
Identifiers: ClinVar variation 1600415 (VCV001600415.11), dbSNP rs200244607, ClinGen allele CA9819800.

ClinVar aggregate classification (germline): Benign/Likely benign. Review status: criteria provided, multiple submitters, no conflicts (2 of 4 stars). 3 submissions from 3 submitters: Benign (1); Likely benign (1). 1 of the submissions does not count toward it. Last evaluated 2026-01-27.

Conditions:
ZNF341-related disorder. Also called: ZNF341-related condition.

Allele frequency attached by ClinVar (database versions not stated): gnomAD exomes 0.00017 and 0.00094; gnomAD 0.00036 and 0.00040; TOPMed 0.00039; 1000 Genomes Project 30x 0.00094; ExAC 0.00095; 1000 Genomes Project 0.00120.
gnomAD v4.1: 356 of 1,612,512 alleles (0.022%); highest among the groups gnomAD compares: East Asian, 0.56%; 1 homozygote.

Submissions (3):

Labcorp Genetics (formerly Invitae), Labcorp
Classification: Benign. Last evaluated: 2026-01-27. Review status: criteria provided, single submitter. Criteria: Invitae Variant Classification Sherloc (09022015). Collection method: clinical testing. Allele origin: germline.

Blueprint Genetics
Classification: Likely benign. Last evaluated: 2024-10-09. Review status: criteria provided, single submitter. Criteria: ACMG Guidelines, 2015. Collection method: clinical testing. Allele origin: germline.

PreventionGenetics, part of Exact Sciences
Classification: Benign for ZNF341-related condition. Last evaluated: 2019-05-23. Review status: no assertion criteria provided. Collection method: clinical testing. Allele origin: germline. Not counted in ClinVar's aggregate classification.
Comment: This variant is classified as benign based on ACMG/AMP sequence variant interpretation guidelines (Richards et al. 2015 PMID: 25741868, with internal and published modifications).